The following is an entry in ClinVar:

ClinVar aggregate classification (germline): Pathogenic (1 of 4 stars; one submission).

Conditions:
Joubert syndrome. Also called: CEREBELLOPARENCHYMAL DISORDER IV; JOUBERT-BOLTSHAUSER SYNDROME; Familial aplasia of the vermis. Identifiers: Orphanet 475, MedGen C5979921, MONDO:0018772.
Nephronophthisis. Also called: Juvenile Nephronophthisis. Identifiers: Orphanet 655, MedGen C0687120, MONDO:0019005, HP:0000090.
Meckel-Gruber syndrome. Also called: DYSENCEPHALIA SPLANCHNOCYSTICA; GRUBER SYNDROME; Dysencephalia splachnocystica. Identifiers: Orphanet 564, MedGen C0265215, MONDO:0018921.

Submission:

Labcorp Genetics (formerly Invitae), Labcorp
Classification: Pathogenic for Joubert syndrome; Meckel-Gruber syndrome; Nephronophthisis. Last evaluated: 2022-03-01. Review status: criteria provided, single submitter. Criteria: Invitae Variant Classification Sherloc (09022015). Collection method: clinical testing. Allele origin: germline.
Comment: For these reasons, this variant has been classified as Pathogenic. This premature translational stop signal has been observed in individual(s) with CEP290-related conditions (PMID: 30193310). This variant is not present in population databases (gnomAD no frequency). This sequence change creates a premature translational stop signal (p.Arg1655Glufs*6) in the CEP290 gene. It is expected to result in an absent or disrupted protein product. Loss-of-function variants in CEP290 are known to be pathogenic (PMID: 16909394, 17345604, 20690115).

Literature cited by the submitters: PubMed 30193310; PubMed 16909394; PubMed 17345604; PubMed 20690115.

NM_025114.4(CEP290):c.4963del (p.Arg1655fs)

Gene: CEP290 (centrosomal protein 290; minus strand). Cytogenetic location: 12q21.32.
Variant type: Deletion.
Coding change: c.4963del on transcript NM_025114.4 (MANE Select); coding-DNA position 4963, one base deleted (A; older notation c.4963delA).
Protein change: p.Arg1655fs; shifts the reading frame from arginine 1655.
Molecular consequence: frameshift variant.
Genome position (GRCh38, 1-based): chr12:88,083,080, T deleted on the plus strand (A on the coding strand, the reverse complement: CEP290 is on the minus strand); the first of 3 consecutive T bases (chr12:88,083,080-88,083,082); deleting any one gives the same sequence. VCF-style (leftmost placement, unchanged base first): chr12-88083079-CT-C. GRCh37 (hg19) VCF-style: chr12-88476856-CT-C.
Other names: short protein forms R1655fs.
Identifiers: ClinVar variation 2152158 (VCV002152158.4), dbSNP rs764309755, ClinGen allele CA2580086833.